The following is an entry in ClinVar:

ClinVar aggregate classification (germline): Uncertain significance (1 of 4 stars; one submission).

Submission:

Labcorp Genetics (formerly Invitae), Labcorp
Classification: Uncertain significance. Last evaluated: 2022-05-06. Review status: criteria provided, single submitter. Criteria: Invitae Variant Classification Sherloc (09022015). Collection method: clinical testing. Allele origin: germline.
Comment: This sequence change results in a frameshift in the CDH23 gene (p.Leu3349Profs*89). While this is not anticipated to result in nonsense mediated decay, it is expected to disrupt the last 6 amino acid(s) of the CDH23 protein and extend the protein by 82 additional amino acid residues. This variant is present in population databases (rs753173424, gnomAD no frequency). This variant has not been reported in the literature in individuals affected with CDH23-related conditions. In summary, the available evidence is currently insufficient to determine the role of this variant in disease. Therefore, it has been classified as a Variant of Uncertain Significance.

NM_022124.6(CDH23):c.10045dup (p.Leu3349fs)

Gene: CDH23 (cadherin related 23; plus strand). Cytogenetic location: 10q22.1.
Variant type: Duplication.
Coding change: c.10045dup on transcript NM_022124.6 (MANE Select); coding-DNA position 10045, one base duplicated (C; older notation c.10045dupC).
Protein change: p.Leu3349fs; shifts the reading frame from leucine 3349.
Molecular consequence: frameshift variant.
Genome position (GRCh38, 1-based): chr10:71,815,258, C duplicated; the last of 6 consecutive C bases (chr10:71,815,253-71,815,258); duplicating any one gives the same sequence. VCF-style (leftmost placement, unchanged base first): chr10-71815252-A-AC. GRCh37 (hg19) VCF-style: chr10-73575009-A-AC.
Other names: c.3325dup, p.Leu1109fs (NM_001171933.1); c.3220dup, p.Leu1074fs (NM_001171934.1); c.736dup, p.Leu246fs (NM_001171935.1); c.631dup, p.Leu211fs (NM_001171936.1); short protein forms L1074fs, L211fs, L1109fs, L3349fs, L246fs.
Identifiers: ClinVar variation 1980864 (VCV001980864.1), dbSNP rs753173424, ClinGen allele CA5547252.